The following is an entry in ClinVar:

NM_213599.3(ANO5):c.13G>A (p.Asp5Asn)

Gene: ANO5 (anoctamin 5; plus strand). Cytogenetic location: 11p14.3.
Variant type: single nucleotide variant.
Coding change: c.13G>A on transcript NM_213599.3 (MANE Select); coding-DNA position 13, G replaced by A.
Protein change: p.Asp5Asn; replaces aspartic acid 5 with asparagine.
Molecular consequence: missense variant.
Genome position (GRCh38, 1-based): chr11:22,193,505, G>A. VCF-style: chr11-22193505-G-A. GRCh37 (hg19) VCF-style: chr11-22215051-G-A.
Other names: c.13G>A, p.Asp5Asn (NM_001142649.2, NM_001410963.1, NM_001410964.1); short protein forms D5N.
Identifiers: ClinVar variation 2929973 (VCV002929973.4), dbSNP rs773048192, ClinGen allele CA5922737.

ClinVar aggregate classification (germline): Conflicting classifications of pathogenicity. Review status: criteria provided, conflicting classifications (1 of 4 stars). 2 submissions from 2 submitters: Uncertain significance (1); Likely benign (1). Last evaluated 2023-11-19.

Conditions:
Inborn genetic diseases. Identifiers: MedGen C0950123, MeSH D030342.
Autosomal recessive limb-girdle muscular dystrophy type 2L (LGMDR12). Also called: Limb-Girdle Muscular Dystrophy R12 Anoctamin-5-Related (LGMD-R12); MUSCULAR DYSTROPHY, LIMB-GIRDLE, AUTOSOMAL RECESSIVE 12; Limb-girdle muscular dystrophy, type 2L. Identifiers: Orphanet 206549, MedGen C1969785, MONDO:0012652, OMIM 611307.
Gnathodiaphyseal dysplasia (GDD). Also called: GNATHODIAPHYSEAL SCLEROSIS; OSTEOGENESIS IMPERFECTA WITH UNUSUAL SKELETAL LESIONS. Identifiers: Orphanet 53697, MedGen C1833736, MONDO:0008151, OMIM 166260.

Allele frequency attached by ClinVar (database versions not stated): TOPMed below 0.00001; gnomAD exomes below 0.00001; ExAC 0.00001.
gnomAD v4.1: 2 of 1,613,118 alleles (0.00012%); highest among the groups gnomAD compares: African/African-American, 0.0013%; no homozygotes.

Submissions (2):

Labcorp Genetics (formerly Invitae), Labcorp
Classification: Uncertain significance for Autosomal recessive limb-girdle muscular dystrophy type 2L; Gnathodiaphyseal dysplasia. Last evaluated: 2023-11-19. Review status: criteria provided, single submitter. Criteria: Invitae Variant Classification Sherloc (09022015). Collection method: clinical testing. Allele origin: germline.
Comment: This sequence change replaces aspartic acid, which is acidic and polar, with asparagine, which is neutral and polar, at codon 5 of the ANO5 protein (p.Asp5Asn). This variant is present in population databases (rs773048192, gnomAD 0.007%). This variant has not been reported in the literature in individuals affected with ANO5-related conditions. Advanced modeling of protein sequence and biophysical properties (such as structural, functional, and spatial information, amino acid conservation, physicochemical variation, residue mobility, and thermodynamic stability) performed at Invitae indicates that this missense variant is not expected to disrupt ANO5 protein function with a negative predictive value of 95%. In summary, the available evidence is currently insufficient to determine the role of this variant in disease. Therefore, it has been classified as a Variant of Uncertain Significance.

Ambry Genetics
Classification: Likely benign for Inborn genetic diseases. Last evaluated: 2023-09-26. Review status: criteria provided, single submitter. Criteria: Ambry Variant Classification Scheme 2023. Collection method: clinical testing. Allele origin: germline.